The following is an entry in ClinVar:

ClinVar aggregate classification (germline): Likely benign. Review status: criteria provided, multiple submitters, no conflicts (2 of 4 stars). 3 submissions from 3 submitters: Likely benign (2). 1 of the submissions does not count toward it. Last evaluated 2025-10-19.

Conditions:
GRM6-related disorder. Also called: GRM6-related condition.

Allele frequency attached by ClinVar (database versions not stated): ESP Exome Variant Server 0.00008; gnomAD 0.00010 and 0.00012; TOPMed 0.00016; ExAC 0.00018; 1000 Genomes Project 0.00020; 1000 Genomes Project 30x 0.00031.
gnomAD v4.1: 250 of 1,613,958 alleles (0.015%); highest among the groups gnomAD compares: South Asian, 0.078%; 1 homozygote.

Submissions (3):

Labcorp Genetics (formerly Invitae), Labcorp
Classification: Likely benign. Last evaluated: 2025-10-19. Review status: criteria provided, single submitter. Criteria: Invitae Variant Classification Sherloc (09022015). Collection method: clinical testing. Allele origin: germline.

Blueprint Genetics
Classification: Likely benign. Last evaluated: 2023-09-26. Review status: criteria provided, single submitter. Criteria: ACMG Guidelines, 2015. Collection method: clinical testing. Allele origin: germline.

PreventionGenetics, part of Exact Sciences
Classification: Likely benign for GRM6-related condition. Last evaluated: 2019-08-13. Review status: no assertion criteria provided. Collection method: clinical testing. Allele origin: germline. Not counted in ClinVar's aggregate classification.
Comment: This variant is classified as likely benign based on ACMG/AMP sequence variant interpretation guidelines (Richards et al. 2015 PMID: 25741868, with internal and published modifications).

NM_000843.4(GRM6):c.1389C>T (p.Asn463=)

Genes: GRM6 (glutamate metabotropic receptor 6; minus strand), ZNF454 (zinc finger protein 454; plus strand). Cytogenetic location: 5q35.3.
Variant type: single nucleotide variant.
Coding change: c.1389C>T on transcript NM_000843.4 (MANE Select); coding-DNA position 1389, C replaced by T.
Protein change: p.Asn463=; no amino-acid change (asparagine 463 retained).
Molecular consequence: synonymous variant.
Genome position (GRCh38, 1-based): chr5:178,986,949, G>A on the plus strand (C>T on the coding strand, the complement: GRM6 is on the minus strand). VCF-style: chr5-178986949-G-A. GRCh37 (hg19) VCF-style: chr5-178413950-G-A.
Other names: c.1389C>T (NM_000843.3).
Identifiers: ClinVar variation 1132130 (VCV001132130.12), dbSNP rs139745015, ClinGen allele CA3594066.